The following is an entry in ClinVar:

NM_000341.4(SLC3A1):c.1365del (p.Arg456fs)

Gene: SLC3A1 (solute carrier family 3 member 1; plus strand). Cytogenetic location: 2p21.
Variant type: Deletion.
Coding change: c.1365del on transcript NM_000341.4 (MANE Select); coding-DNA position 1365, one base deleted (G; older notation c.1365delG).
Protein change: p.Arg456fs; shifts the reading frame from arginine 456.
Molecular consequence: frameshift variant.
Genome position (GRCh38, 1-based): chr2:44,312,618, G deleted. VCF-style (leftmost placement, unchanged base first): chr2-44312617-CG-C. GRCh37 (hg19) VCF-style: chr2-44539756-CG-C.
Other names: c.1365delG (NM_000341.4); short protein forms R456fs.
Identifiers: ClinVar variation 804185 (VCV000804185.4), dbSNP rs779941675, ClinGen allele CA1640563.
Genomic context (GRCh38, chr2:44,312,617, plus strand): 5'-CTGTGTTCTTAAAAATATCTGCCTTTCAGATTGGTGGACCAGACAGTTCACGGCTGACTT[CG>C]CGTTTGGGGAATCAGTATGTCAACGTGATGAACATGCTTCTTTTCACACTCCCTGGAACT-3'

ClinVar aggregate classification (germline): Pathogenic. Review status: criteria provided, single submitter (1 of 4 stars). 2 submissions from 2 submitters: Pathogenic (1). 1 of the submissions does not count toward it.

Conditions:
Cystinuria (CSNU). Also called: Cystinuria, non-type I; CYSTINURIA, TYPE I; CYSTINURIA, TYPE II; CYSTINURIA, TYPE III. Identifiers: Orphanet 214, MedGen C0010691, MONDO:0009067, OMIM 220100, HP:0003131.
Cystine urolithiasis. Identifiers: MedGen C3671878.

Allele frequency attached by ClinVar (database versions not stated): gnomAD exomes below 0.00001; ExAC 0.00001.

Submissions (2):

Juno Genomics, Hangzhou Juno Genomics, Inc
Classification: Pathogenic for Cystinuria. Review status: criteria provided, single submitter. Criteria: ACMG Guidelines, 2015. Collection method: clinical testing. Allele origin: germline. Affected: yes.
Comment: Absent from controls (or at extremely low frequency if recessive) in Genome Aggregation Database.;Null variant in a gene where loss of function (LOF) is a known mechanism of disease.;For recessive disorders, detected in trans with a pathogenic variant.;Patient's phenotype or family history is highly specific for a disease with a single genetic etiology.

The Laboratory of Genetics and Metabolism, Hunan Children’s Hospital
Classification: Pathogenic for Cystine Urolithiasis. Review status: no assertion criteria provided. Collection method: research. Allele origin: maternal. Affected: yes. Not counted in ClinVar's aggregate classification.